The following is an entry in ClinVar:

NM_004999.4(MYO6):c.3017A>T (p.Glu1006Val)

Gene: MYO6 (myosin VI; plus strand). Cytogenetic location: 6q14.1.
Variant type: single nucleotide variant.
Coding change: c.3017A>T on transcript NM_004999.4 (MANE Select); coding-DNA position 3017, A replaced by T.
Protein change: p.Glu1006Val; replaces glutamic acid 1006 with valine.
Molecular consequence: missense variant. On other transcripts: non-coding transcript variant (1).
Genome position (GRCh38, 1-based): chr6:75,892,600, A>T. VCF-style: chr6-75892600-A-T. GRCh37 (hg19) VCF-style: chr6-76602317-A-T.
Other names: c.3017A>T, p.Glu1006Val (NM_001300899.2, NM_001368136.1, NM_001368137.1 and 2 more transcripts); c.3002A>T, p.Glu1001Val (NM_001368138.1); short protein forms E1001V, E1006V.
Identifiers: ClinVar variation 1483725 (VCV001483725.6), dbSNP rs1321745586, ClinGen allele CA364778443.

ClinVar aggregate classification (germline): Uncertain significance (1 of 4 stars; one submission).

Allele frequency attached by ClinVar (database versions not stated): gnomAD exomes below 0.00001.
gnomAD v4.1: 1 of 1,613,690 alleles (0.000062%); highest among the groups gnomAD compares: Non-Finnish European, 0.000085%; no homozygotes.

Submission:

Labcorp Genetics (formerly Invitae), Labcorp
Classification: Uncertain significance. Last evaluated: 2022-07-28. Review status: criteria provided, single submitter. Criteria: Invitae Variant Classification Sherloc (09022015). Collection method: clinical testing. Allele origin: germline.
Comment: This variant has not been reported in the literature in individuals affected with MYO6-related conditions. This variant is not present in population databases (gnomAD no frequency). This sequence change replaces glutamic acid, which is acidic and polar, with valine, which is neutral and non-polar, at codon 1006 of the MYO6 protein (p.Glu1006Val). ClinVar contains an entry for this variant (Variation ID: 1483725). In summary, the available evidence is currently insufficient to determine the role of this variant in disease. Therefore, it has been classified as a Variant of Uncertain Significance. Algorithms developed to predict the effect of sequence changes on RNA splicing suggest that this variant may create or strengthen a splice site. Algorithms developed to predict the effect of missense changes on protein structure and function (SIFT, PolyPhen-2, Align-GVGD) all suggest that this variant is likely to be disruptive.